The following is an entry in ClinVar:

ClinVar aggregate classification (germline): Uncertain significance (1 of 4 stars; one submission).

Conditions:
Generalized epilepsy-paroxysmal dyskinesia syndrome (PNKD3). Also called: Paroxysmal nonkinesigenic dyskinesia, 3, with or without generalized epilepsy; Generalized epilepsy and paroxysmal dyskinesia. Identifiers: Orphanet 79137, MedGen C5574945, MONDO:0012276, OMIM 609446.

Allele frequency attached by ClinVar (database versions not stated): gnomAD exomes below 0.00001.

Submission:

Labcorp Genetics (formerly Invitae), Labcorp
Classification: Uncertain significance for Generalized epilepsy-paroxysmal dyskinesia syndrome. Last evaluated: 2023-03-25. Review status: criteria provided, single submitter. Criteria: Invitae Variant Classification Sherloc (09022015). Collection method: clinical testing. Allele origin: germline.
Comment: In summary, the available evidence is currently insufficient to determine the role of this variant in disease. Therefore, it has been classified as a Variant of Uncertain Significance. An algorithm developed to predict the effect of missense changes on protein structure and function (PolyPhen-2) suggests that this variant is likely to be tolerated. ClinVar contains an entry for this variant (Variation ID: 1414860). This variant has not been reported in the literature in individuals affected with KCNMA1-related conditions. This variant is not present in population databases (gnomAD no frequency). This sequence change replaces glycine, which is neutral and non-polar, with serine, which is neutral and polar, at codon 123 of the KCNMA1 protein (p.Gly123Ser).

NM_001161352.2(KCNMA1):c.367G>A (p.Gly123Ser)

Gene: KCNMA1 (potassium calcium-activated channel subfamily M alpha 1; minus strand). Cytogenetic location: 10q22.3.
Variant type: single nucleotide variant.
Coding change: c.367G>A on transcript NM_001161352.2 (MANE Select); coding-DNA position 367, G replaced by A.
Protein change: p.Gly123Ser; replaces glycine 123 with serine.
Molecular consequence: missense variant.
Genome position (GRCh38, 1-based): chr10:77,637,276, C>T on the plus strand (G>A on the coding strand, the complement: KCNMA1 is on the minus strand). VCF-style: chr10-77637276-C-T. GRCh37 (hg19) VCF-style: chr10-79397034-C-T.
Other names: c.367G>A, p.Gly123Ser (NM_001014797.3, NM_001161353.2, NM_001271518.2 and 12 more transcripts); short protein forms G123S.
Identifiers: ClinVar variation 1414860 (VCV001414860.8), dbSNP rs1246413912, ClinGen allele CA377412191.
Genomic context (GRCh38, chr10:77,637,276, plus strand): 5'-AGAAGCGGTGGGGCTGGCGCAGAGGGCGGGCGCCCGGGGCGCGCGTTACCTTCGTCTTGC[C>T]CCCGCAGTGGCAGCACACGGTCCACAGGTACTTGAGCGTCCGCCAGAGCAAGATGATGAA-3'
Protein context (NP_001154824.1, residues 113-133): YLWTVCCHCG[Gly123Ser]KTKEAQKINN